The following is an entry in ClinVar:

NM_001289104.2(PRKCSH):c.133A>G (p.Thr45Ala)

Gene: PRKCSH (PRKCSH beta subunit of glucosidase II; plus strand). Cytogenetic location: 19p13.2.
Variant type: single nucleotide variant.
Coding change: c.133A>G on transcript NM_001289104.2 (MANE Select); coding-DNA position 133, A replaced by G.
Protein change: p.Thr45Ala; replaces threonine 45 with alanine.
Molecular consequence: missense variant.
Genome position (GRCh38, 1-based): chr19:11,436,442, A>G. VCF-style: chr19-11436442-A-G. GRCh37 (hg19) VCF-style: chr19-11547263-A-G.
Other names: c.133A>G, p.Thr45Ala (NM_001001329.3, NM_001289102.2, NM_001289103.2 and 3 more transcripts); short protein forms T45A.
Identifiers: ClinVar variation 1718436 (VCV001718436.5), dbSNP rs2512501756, ClinGen allele CA404131300.

ClinVar aggregate classification (germline): Uncertain significance (1 of 4 stars; one submission).

gnomAD v4.1: 2 of 1,614,188 alleles (0.00012%); highest among the groups gnomAD compares: East Asian, 0.0022%; no homozygotes.

Submission:

Labcorp Genetics (formerly Invitae), Labcorp
Classification: Uncertain significance. Last evaluated: 2022-07-19. Review status: criteria provided, single submitter. Criteria: Invitae Variant Classification Sherloc (09022015). Collection method: clinical testing. Allele origin: germline.
Comment: This sequence change replaces threonine, which is neutral and polar, with alanine, which is neutral and non-polar, at codon 45 of the PRKCSH protein (p.Thr45Ala). In summary, the available evidence is currently insufficient to determine the role of this variant in disease. Therefore, it has been classified as a Variant of Uncertain Significance. This variant is not present in population databases (gnomAD no frequency). This variant has not been reported in the literature in individuals affected with PRKCSH-related conditions. Algorithms developed to predict the effect of missense changes on protein structure and function are either unavailable or do not agree on the potential impact of this missense change (SIFT: "Tolerated"; PolyPhen-2: "Possibly Damaging"; Align-GVGD: "Class C0").